The following is an entry in ClinVar:

ClinVar aggregate classification (germline): Uncertain significance (1 of 4 stars; one submission).

Conditions:
Long QT syndrome (LQTS). Identifiers: MedGen C0023976, MeSH D008133, MONDO:0002442. Disease mechanism: loss of function. Inheritance: Various modes of inheritance.

Submission:

Labcorp Genetics (formerly Invitae), Labcorp
Classification: Uncertain significance for Long QT syndrome. Last evaluated: 2019-07-26. Review status: criteria provided, single submitter. Criteria: Invitae Variant Classification Sherloc (09022015). Collection method: clinical testing. Allele origin: germline.
Comment: This variant disrupts the p.Arg858 amino acid residue in CACNA1C. Other variant(s) that disrupt this residue have been determined to be pathogenic (PMID: 24728418, 29016939, 30345660). This suggests that this residue is clinically significant, and that variants that disrupt this residue are likely to be disease-causing. In summary, the available evidence is currently insufficient to determine the role of this variant in disease. Therefore, it has been classified as a Variant of Uncertain Significance. Algorithms developed to predict the effect of sequence changes on RNA splicing suggest that this variant may create or strengthen a splice site, but this prediction has not been confirmed by published transcriptional studies. Algorithms developed to predict the effect of missense changes on protein structure and function are either unavailable or do not agree on the potential impact of this missense change (SIFT: "Deleterious"; PolyPhen-2: "Probably Damaging"; Align-GVGD: "Class C0"). This variant has not been reported in the literature in individuals with CACNA1C-related conditions. This variant is not present in population databases (ExAC no frequency). This sequence change replaces arginine with serine at codon 858 of the CACNA1C protein (p.Arg858Ser). The arginine residue is highly conserved and there is a moderate physicochemical difference between arginine and serine.

Literature cited by the submitters: PubMed 24728418; PubMed 29016939; PubMed 30345660.

NM_000719.7(CACNA1C):c.2572C>A (p.Arg858Ser)

Gene: CACNA1C (calcium voltage-gated channel subunit alpha1 C; plus strand). Cytogenetic location: 12p13.33.
Variant type: single nucleotide variant.
Coding change: c.2572C>A on transcript NM_000719.7 (MANE Select); coding-DNA position 2572, C replaced by A.
Protein change: p.Arg858Ser; replaces arginine 858 with serine.
Molecular consequence: missense variant.
Genome position (GRCh38, 1-based): chr12:2,593,254, C>A. VCF-style: chr12-2593254-C-A. GRCh37 (hg19) VCF-style: chr12-2702420-C-A.
Other names: c.2572C>A, p.Arg858Ser (NM_001129827.2, NM_001129829.2, NM_001129830.3 and 18 more transcripts); c.2563C>A, p.Arg855Ser (NM_001129844.2); short protein forms R855S, R858S.
Identifiers: ClinVar variation 960113 (VCV000960113.10), dbSNP rs1409860214, ClinGen allele CA383372152.